The following is an entry in ClinVar:

NM_005514.8(HLA-B):c.704C>G (p.Ala235Gly)

Gene: HLA-B (major histocompatibility complex, class I, B; minus strand). Cytogenetic location: 6p21.33.
Variant type: single nucleotide variant.
Coding change: c.704C>G on transcript NM_005514.8 (MANE Select); coding-DNA position 704, C replaced by G.
Protein change: p.Ala235Gly; replaces alanine 235 with glycine.
Molecular consequence: missense variant.
Genome position (GRCh38, 1-based): chr6:31,355,508, G>C on the plus strand (C>G on the coding strand, the complement: HLA-B is on the minus strand). VCF-style: chr6-31355508-G-C. GRCh37 (hg19) VCF-style: chr6-31323285-G-C.
Other names: short protein forms A235G.
Identifiers: ClinVar variation 5038657 (VCV005038657.1).

ClinVar aggregate classification (germline): Benign (1 of 4 stars; one submission).

gnomAD v4.1: 928 of 1,506,836 alleles (0.062%); highest among the groups gnomAD compares: East Asian, 1.1%; 22 homozygotes.

Submission:

CeGaT Center for Human Genetics Tuebingen
Classification: Benign. Last evaluated: 2026-07-01. Review status: criteria provided, single submitter. Criteria: CeGaT Center For Human Genetics Tuebingen Variant Classification Criteria Version 2. Collection method: clinical testing. Allele origin: germline. Affected: yes. Observed: 1 variant allele.
Comment: HLA-B: BP4, BS1, BS2